The following is an entry in ClinVar:

ClinVar aggregate classification (germline): Pathogenic (1 of 4 stars; one submission).

Submission:

Labcorp Genetics (formerly Invitae), Labcorp
Classification: Pathogenic. Last evaluated: 2023-04-22. Review status: criteria provided, single submitter. Criteria: Invitae Variant Classification Sherloc (09022015). Collection method: clinical testing. Allele origin: germline.
Comment: For these reasons, this variant has been classified as Pathogenic. This variant has not been reported in the literature in individuals affected with PODXL-related conditions. This variant is not present in population databases (gnomAD no frequency). This sequence change creates a premature translational stop signal (p.Arg190*) in the PODXL gene. It is expected to result in an absent or disrupted protein product. Loss-of-function variants in PODXL are known to be pathogenic (PMID: 30523047).

Literature cited by the submitters: PubMed 30523047.

NM_001018111.3(PODXL):c.568C>T (p.Arg190Ter)

Gene: PODXL (podocalyxin like; minus strand). Cytogenetic location: 7q32.3.
Variant type: single nucleotide variant.
Coding change: c.568C>T on transcript NM_001018111.3 (MANE Select); coding-DNA position 568, C replaced by T.
Protein change: p.Arg190Ter; replaces arginine 190 with a stop codon.
Molecular consequence: nonsense.
Genome position (GRCh38, 1-based): chr7:131,510,966, G>A on the plus strand (C>T on the coding strand, the complement: PODXL is on the minus strand). VCF-style: chr7-131510966-G-A. GRCh37 (hg19) VCF-style: chr7-131195725-G-A.
Other names: c.568C>T, p.Arg190Ter (NM_005397.4); short protein forms R190*.
Identifiers: ClinVar variation 2980973 (VCV002980973.3), dbSNP rs2485278976, ClinGen allele CA369301175.